The following is an entry in ClinVar:

ClinVar aggregate classification (germline): Benign/Likely benign. Review status: criteria provided, multiple submitters, no conflicts (2 of 4 stars). 4 submissions from 4 submitters: Benign (1); Likely benign (2). 1 of the submissions does not count toward it. Last evaluated 2025-08-15.

Conditions:
HEMOGLOBIN PORTO ALEGRE.

Allele frequency attached by ClinVar (database versions not stated): gnomAD exomes below 0.00001; ExAC 0.00001.
gnomAD v4.1: 2 of 1,613,188 alleles (0.00012%); highest among the groups gnomAD compares: Non-Finnish European, 0.000085%; no homozygotes.

Submissions (4):

Women's Health and Genetics/Laboratory Corporation of America, LabCorp
Classification: Likely benign. Last evaluated: 2025-08-15. Review status: criteria provided, single submitter. Criteria: LabCorp Variant Classification Summary - May 2015. Collection method: clinical testing. Allele origin: germline.
Comment: Variant summary: HBB c.29C>G (p.Ser10Cys) results in a non-conservative amino acid change located in the Globin domain (IPR000971) of the encoded protein sequence. Algorithms developed to predict the effect of missense changes on protein structure and function are either unavailable or do not agree on the potential impact of this missense change. The variant allele was found at a frequency of 4e-06 in 251216 control chromosomes. The available data on variant occurrences in the general population are insufficient to allow any conclusion about variant significance. c.29C>G has been reported in individuals affected with Hemoglobinopathy (e.g. Goncalves_1994). However, this variant was also found in patients in heterozygous or homozygous state, who have normal hematological values (e.g. Colombo_1985, Malcorra-Azpiazu_1993, Cataldo_2012). These data do not allow any conclusion about variant significance. At least one publication reports experimental evidence evaluating an impact on protein function. These results showed no damaging effect of this variant (Tondo_1974). The following publications have been ascertained in the context of this evaluation (PMID: 11742129, 7928381, 8294204, 4824922, 31553106, 23049446, 4077559, 604493, 8701943). ClinVar contains an entry for this variant (Variation ID: 15316). Based on the evidence outlined above, the variant was classified as likely benign.

Quest Diagnostics Nichols Institute San Juan Capistrano
Classification: Benign. Last evaluated: 2021-10-04. Review status: criteria provided, single submitter. Criteria: Quest Diagnostics criteria. Collection method: clinical testing. Allele origin: unknown.

ARUP Laboratories, Molecular Genetics and Genomics, ARUP Laboratories
Classification: Likely benign. Last evaluated: 2017-01-17. Review status: criteria provided, single submitter. Criteria: ARUP Molecular Germline Variant Investigation Process. Collection method: clinical testing. Allele origin: germline.

OMIM
Classification: other for HEMOGLOBIN PORTO ALEGRE. Last evaluated: 2000-05-09. Review status: no assertion criteria provided. Collection method: literature only. Allele origin: germline. Not counted in ClinVar's aggregate classification.

Literature cited by the submitters: PubMed 11742129 (cited by Women's Health and Genetics/Laboratory Corporation of America, LabCorp and Quest Diagnostics Nichols Institute San Juan Capistrano); PubMed 7928381 (cited by Women's Health and Genetics/Laboratory Corporation of America, LabCorp and Quest Diagnostics Nichols Institute San Juan Capistrano); PubMed 8294204 (cited by Women's Health and Genetics/Laboratory Corporation of America, LabCorp and Quest Diagnostics Nichols Institute San Juan Capistrano); PubMed 4824922 (cited by Women's Health and Genetics/Laboratory Corporation of America, LabCorp and Quest Diagnostics Nichols Institute San Juan Capistrano); PubMed 31553106 (cited by Women's Health and Genetics/Laboratory Corporation of America, LabCorp and Quest Diagnostics Nichols Institute San Juan Capistrano); PubMed 23049446 (cited by Women's Health and Genetics/Laboratory Corporation of America, LabCorp); PubMed 4077559 (cited by Women's Health and Genetics/Laboratory Corporation of America, LabCorp); PubMed 604493 (cited by Women's Health and Genetics/Laboratory Corporation of America, LabCorp); PubMed 8701943 (cited by Women's Health and Genetics/Laboratory Corporation of America, LabCorp); PubMed 19429541 (cited by Quest Diagnostics Nichols Institute San Juan Capistrano); PubMed 24471793 (cited by Quest Diagnostics Nichols Institute San Juan Capistrano); PubMed 10805790 (cited by Quest Diagnostics Nichols Institute San Juan Capistrano and OMIM); PubMed 1052181 (cited by Quest Diagnostics Nichols Institute San Juan Capistrano and OMIM); PubMed 4756855 (cited by Quest Diagnostics Nichols Institute San Juan Capistrano and OMIM); PubMed 6048124 (cited by Quest Diagnostics Nichols Institute San Juan Capistrano and OMIM); PubMed 13985474 (cited by Quest Diagnostics Nichols Institute San Juan Capistrano and OMIM).

NM_000518.4(HBB):c.29C>G (p.Ser10Cys)

Genes: HBB (hemoglobin subunit beta; minus strand), LOC106099062 (HBB recombination region; plus strand), LOC107133510 (origin of replication at HBB; plus strand). Cytogenetic location: 11p15.4.
Variant type: single nucleotide variant.
Coding change: c.29C>G on transcript NM_000518.4; coding-DNA position 29, C replaced by G.
Protein change: p.Ser10Cys; replaces serine 10 with cysteine.
Molecular consequence: missense variant (on NM_000518.5).
Genome position (GRCh38, 1-based): chr11:5,226,993, G>C on the plus strand (C>G on the coding strand, the complement: HBB is on the minus strand). VCF-style: chr11-5226993-G-C. GRCh37 (hg19) VCF-style: chr11-5248223-G-C.
Other names: S9C; c.29C>G, p.Ser10Cys (NM_000518.5); short protein forms S10C.
Identifiers: ClinVar variation 15316 (VCV000015316.17), dbSNP rs33918131, ClinGen allele CA125110.